The following is an entry in ClinVar:

NM_021098.3(CACNA1H):c.6208C>G (p.Arg2070Gly)

Gene: CACNA1H (calcium voltage-gated channel subunit alpha1 H; plus strand). Cytogenetic location: 16p13.3.
Variant type: single nucleotide variant.
Coding change: c.6208C>G on transcript NM_021098.3 (MANE Select); coding-DNA position 6208, C replaced by G.
Protein change: p.Arg2070Gly; replaces arginine 2070 with glycine.
Molecular consequence: missense variant.
Genome position (GRCh38, 1-based): chr16:1,220,140, C>G. VCF-style: chr16-1220140-C-G. GRCh37 (hg19) VCF-style: chr16-1270140-C-G.
Other names: c.6190C>G, p.Arg2064Gly (NM_001005407.2); short protein forms R2064G, R2070G.
Identifiers: ClinVar variation 1485709 (VCV001485709.8), dbSNP rs758461760, ClinGen allele CA394149283.

ClinVar aggregate classification (germline): Uncertain significance (1 of 4 stars; one submission).

Conditions:
Idiopathic generalized epilepsy. Also called: Generalised epilepsy; EIG. Identifiers: MedGen C0270850, MONDO:0005579, OMIM 600669.
Hyperaldosteronism, familial, type IV (HALD4). Also called: FH IV; ALDOSTERONISM, PRIMARY, AND HYPERTENSION. Identifiers: Orphanet 642671, MedGen C4310756, MONDO:0014875, OMIM 617027.

gnomAD v4.1: 1 of 1,506,516 alleles (0.000066%); highest among the groups gnomAD compares: South Asian, 0.0014%; no homozygotes.

Submission:

Labcorp Genetics (formerly Invitae), Labcorp
Classification: Uncertain significance for Idiopathic generalized epilepsy; Hyperaldosteronism, familial, type IV. Last evaluated: 2021-04-24. Review status: criteria provided, single submitter. Criteria: Invitae Variant Classification Sherloc (09022015). Collection method: clinical testing. Allele origin: germline.
Comment: Algorithms developed to predict the effect of sequence changes on RNA splicing suggest that this variant may create or strengthen a splice site, but this prediction has not been confirmed by published transcriptional studies. In summary, the available evidence is currently insufficient to determine the role of this variant in disease. Therefore, it has been classified as a Variant of Uncertain Significance. Advanced modeling of protein sequence and biophysical properties (such as structural, functional, and spatial information, amino acid conservation, physicochemical variation, residue mobility, and thermodynamic stability) performed at Invitae indicates that this missense variant is not expected to disrupt CACNA1H protein function. This variant has not been reported in the literature in individuals with CACNA1H-related conditions. This variant is not present in population databases (ExAC no frequency). This sequence change replaces arginine with glycine at codon 2070 of the CACNA1H protein (p.Arg2070Gly). The arginine residue is moderately conserved and there is a moderate physicochemical difference between arginine and glycine.